The following is an entry in ClinVar:

ClinVar aggregate classification (germline): Uncertain significance (1 of 4 stars; one submission).

gnomAD v4.1: 1 of 1,208,736 alleles (0.000083%); highest among the groups gnomAD compares: Non-Finnish European, 0.00011%; no homozygotes.

Submission:

GeneDx
Classification: Uncertain significance. Last evaluated: 2025-05-15. Review status: criteria provided, single submitter. Criteria: GeneDx Variant Classification Process June 2021. Collection method: clinical testing. Allele origin: germline. Affected: yes.
Comment: Not observed at significant frequency in large population cohorts (gnomAD); In silico analysis supports that this missense variant has a deleterious effect on protein structure/function; Has not been previously published as pathogenic or benign to our knowledge

NM_001830.4(CLCN4):c.574G>A (p.Gly192Ser)

Gene: CLCN4 (chloride voltage-gated channel 4; plus strand). Cytogenetic location: Xp22.2.
Variant type: single nucleotide variant.
Coding change: c.574G>A on transcript NM_001830.4 (MANE Select); coding-DNA position 574, G replaced by A.
Protein change: p.Gly192Ser; replaces glycine 192 with serine.
Molecular consequence: missense variant.
Genome position (GRCh38, 1-based): chrX:10,206,376, G>A. VCF-style: chrX-10206376-G-A. GRCh37 (hg19) VCF-style: chrX-10174416-G-A.
Other names: c.292G>A, p.Gly98Ser (NM_001256944.2); short protein forms G192S, G98S.
Identifiers: ClinVar variation 4529561 (VCV004529561.1).